The following is an entry in ClinVar:

NM_000038.6(APC):c.1867C>T (p.Arg623Trp)

Gene: APC (APC regulator of Wnt signaling pathway; plus strand). Cytogenetic location: 5q22.2.
Variant type: single nucleotide variant.
Coding change: c.1867C>T on transcript NM_000038.6 (MANE Select); coding-DNA position 1867, C replaced by T.
Protein change: p.Arg623Trp; replaces arginine 623 with tryptophan.
Molecular consequence: missense variant.
Genome position (GRCh38, 1-based): chr5:112,835,074, C>T. VCF-style: chr5-112835074-C-T. GRCh37 (hg19) VCF-style: chr5-112170771-C-T.
Other names: p.R623W:CGG>TGG; c.1867C>T, p.Arg623Trp (NM_001127510.3, NM_001354895.2); c.1813C>T, p.Arg605Trp (NM_001127511.3); c.1921C>T, p.Arg641Trp (NM_001354896.2); c.1897C>T, p.Arg633Trp (NM_001354897.2); c.1792C>T, p.Arg598Trp (NM_001354898.2); c.1783C>T, p.Arg595Trp (NM_001354899.2); c.1744C>T, p.Arg582Trp (NM_001354900.2); and 6 more; short protein forms R605W, R623W, R340W, R497W, R532W, R595W, R598W, R582W.
Identifiers: ClinVar variation 181790 (VCV000181790.64), dbSNP rs730881238, ClinGen allele CA006202.

ClinVar aggregate classification (germline): Uncertain significance. Review status: criteria provided, multiple submitters, no conflicts (2 of 4 stars). 6 submissions from 6 submitters: Uncertain significance (6). Last evaluated 2025-11-24.

Conditions:
Classic or attenuated familial adenomatous polyposis. Identifiers: MedGen CN372698, MONDO:0021057.
Hereditary cancer-predisposing syndrome. Also called: Tumor predisposition; Hereditary Cancer Syndrome; Hereditary neoplastic syndrome; Neoplastic Syndromes, Hereditary. Identifiers: Orphanet 140162, MedGen C0027672, MeSH D009386, MONDO:0015356.
Familial adenomatous polyposis 1 (FAP1). Also called: FAMILIAL ADENOMATOUS POLYPOSIS 1, ATTENUATED; POLYPOSIS, ADENOMATOUS INTESTINAL. Identifiers: MedGen C2713442, MONDO:0021056, OMIM 175100. Disease mechanism: loss of function.

Allele frequency attached by ClinVar (database versions not stated): TOPMed below 0.00001; ExAC 0.00001; gnomAD exomes 0.00001.
gnomAD v4.1: 10 of 1,614,048 alleles (0.00062%); highest among the groups gnomAD compares: Admixed American, 0.0033%; no homozygotes.

Submissions (6):

Labcorp Genetics (formerly Invitae), Labcorp
Classification: Uncertain significance for Familial adenomatous polyposis 1. Last evaluated: 2025-11-24. Review status: criteria provided, single submitter. Criteria: Invitae Variant Classification Sherloc (09022015). Collection method: clinical testing. Allele origin: germline.
Comment: This sequence change replaces arginine, which is basic and polar, with tryptophan, which is neutral and slightly polar, at codon 623 of the APC protein (p.Arg623Trp). This variant is present in population databases (rs730881238, gnomAD 0.006%). This variant has not been reported in the literature in individuals affected with APC-related conditions. ClinVar contains an entry for this variant (Variation ID: 181790). Invitae Evidence Modeling of protein sequence and biophysical properties (such as structural, functional, and spatial information, amino acid conservation, physicochemical variation, residue mobility, and thermodynamic stability) indicates that this missense variant is not expected to disrupt APC protein function with a negative predictive value of 95%. In summary, the available evidence is currently insufficient to determine the role of this variant in disease. Therefore, it has been classified as a Variant of Uncertain Significance.

Ambry Genetics
Classification: Uncertain significance for Hereditary cancer-predisposing syndrome. Last evaluated: 2025-05-31. Review status: criteria provided, single submitter. Criteria: Ambry Variant Classification Scheme 2023. Collection method: clinical testing. Allele origin: germline.
Comment: The p.R623W variant (also known as c.1867C>T), located in coding exon 14 of the APC gene, results from a C to T substitution at nucleotide position 1867. The arginine at codon 623 is replaced by tryptophan, an amino acid with dissimilar properties. This amino acid position is highly conserved in available vertebrate species. In addition, in silico predictors for this gene do not accurately predict pathogenicity. Since supporting evidence is limited at this time, the clinical significance of this alteration remains unclear.

Quest Diagnostics Nichols Institute San Juan Capistrano
Classification: Uncertain significance. Last evaluated: 2024-09-09. Review status: criteria provided, single submitter. Criteria: Quest Diagnostics criteria. Collection method: clinical testing. Allele origin: unknown.
Comment: The APC c.1867C>T (p.Arg623Trp) variant has not been reported in individuals with APC-related conditions in the published literature. The frequency of this variant in the general population, 0.000012 (3/251354 chromosomes (Genome Aggregation Database)), is uninformative in the assessment of its pathogenicity. Analysis of this variant using bioinformatics tools for the prediction of the effect of amino acid changes on protein structure and function yielded predictions that this variant is damaging. Based on the available information, we are unable to determine the clinical significance of this variant.

All of Us Research Program, National Institutes of Health
Classification: Uncertain significance for Classic or attenuated familial adenomatous polyposis. Last evaluated: 2024-07-29. Review status: criteria provided, single submitter. Criteria: ACMG Guidelines, 2015. Collection method: clinical testing. Allele origin: germline. Inheritance: Autosomal dominant inheritance. Observed: 4 variant alleles, 4 heterozygotes.
Comment: This missense variant replaces arginine with tryptophan at codon 623 of the APC protein. Computational prediction is inconclusive regarding the impact of this variant on protein structure and function (internally defined REVEL score threshold 0.5 < inconclusive < 0.7, PMID: 27666373). To our knowledge, functional studies have not been reported for this variant. This variant has not been reported in individuals affected with hereditary cancer in the literature. This variant has been identified in 3/251354 chromosomes in the general population by the Genome Aggregation Database (gnomAD). The available evidence is insufficient to determine the role of this variant in disease conclusively. Therefore, this variant is classified as a Variant of Uncertain Significance.

This study involves interpretation of variants in research participants for the purpose of population health screening. Participant phenotype was not available at the time of variant classification. Additional details can be found in publication PMID: 35346344, PMCID: PMC8962531

Color Diagnostics, LLC DBA Color Health
Classification: Uncertain significance for Hereditary cancer-predisposing syndrome. Last evaluated: 2024-07-16. Review status: criteria provided, single submitter. Criteria: ACMG Guidelines, 2015. Collection method: clinical testing. Allele origin: germline.
Comment: This missense variant replaces arginine with tryptophan at codon 623 of the APC protein. Computational prediction suggests that this variant may not impact protein structure and function (internally defined REVEL score threshold <= 0.5, PMID: 27666373). To our knowledge, functional studies have not been reported for this variant. This variant has not been reported in individuals affected with APC-related disorders in the literature. This variant has been identified in 3/251354 chromosomes in the general population by the Genome Aggregation Database (gnomAD). The available evidence is insufficient to determine the role of this variant in disease conclusively. Therefore, this variant is classified as a Variant of Uncertain Significance.

GeneDx
Classification: Uncertain significance. Last evaluated: 2021-04-09. Review status: criteria provided, single submitter. Criteria: GeneDx Variant Classification Process June 2021. Collection method: clinical testing. Allele origin: germline. Affected: yes.
Comment: In silico analysis supports that this missense variant has a deleterious effect on protein structure/function; Has not been previously published as pathogenic or benign to our knowledge; This variant is associated with the following publications: (PMID: 26286987)